The following is an entry in ClinVar:

NM_001378964.1(CDON):c.531G>A (p.Gln177=)

Gene: CDON (cell adhesion associated, oncogene regulated; minus strand). Cytogenetic location: 11q24.2.
Variant type: single nucleotide variant.
Coding change: c.531G>A on transcript NM_001378964.1 (MANE Select); coding-DNA position 531, G replaced by A.
Protein change: p.Gln177=; no amino-acid change (glutamine 177 retained).
Molecular consequence: synonymous variant.
Genome position (GRCh38, 1-based): chr11:126,018,439, C>T on the plus strand (G>A on the coding strand, the complement: CDON is on the minus strand). VCF-style: chr11-126018439-C-T. GRCh37 (hg19) VCF-style: chr11-125888334-C-T.
Other names: c.531G>A, p.Gln177= (NM_001243597.3, NM_016952.6).
Identifiers: ClinVar variation 2830163 (VCV002830163.6), dbSNP rs776426140, ClinGen allele CA6352305.

ClinVar aggregate classification (germline): Likely benign. Review status: criteria provided, multiple submitters, no conflicts (2 of 4 stars). 3 submissions from 3 submitters: Likely benign (2). 1 of the submissions does not count toward it. Last evaluated 2025-07-14.

Conditions:
Holoprosencephaly 11 (HPE11). Identifiers: Orphanet 2162, MedGen C3280215, MONDO:0013642, OMIM 614226.
CDON-related disorder. Also called: CDON-related condition.

Allele frequency attached by ClinVar (database versions not stated): ExAC 0.00001; TOPMed 0.00003.
gnomAD v4.1: 31 of 1,613,818 alleles (0.0019%); highest among the groups gnomAD compares: Middle Eastern, 0.049%; no homozygotes.

Submissions (3):

Labcorp Genetics (formerly Invitae), Labcorp
Classification: Likely benign for Holoprosencephaly 11. Last evaluated: 2025-07-14. Review status: criteria provided, single submitter. Criteria: Invitae Variant Classification Sherloc (09022015). Collection method: clinical testing. Allele origin: germline.

Blueprint Genetics
Classification: Likely benign. Last evaluated: 2024-09-23. Review status: criteria provided, single submitter. Criteria: ACMG Guidelines, 2015. Collection method: clinical testing. Allele origin: germline.

PreventionGenetics, part of Exact Sciences
Classification: Likely benign for CDON-related condition. Last evaluated: 2019-03-08. Review status: no assertion criteria provided. Collection method: clinical testing. Allele origin: germline. Not counted in ClinVar's aggregate classification.
Comment: This variant is classified as likely benign based on ACMG/AMP sequence variant interpretation guidelines (Richards et al. 2015 PMID: 25741868, with internal and published modifications).